The following is an entry in ClinVar:

ClinVar aggregate classification (germline): Likely benign. Review status: criteria provided, single submitter (1 of 4 stars). 2 submissions from 2 submitters: Likely benign (1). 1 of the submissions does not count toward it. Last evaluated 2024-10-23.

Conditions:
TSPAN12-related disorder. Also called: TSPAN12-related condition.

Allele frequency attached by ClinVar (database versions not stated): gnomAD exomes below 0.00001; TOPMed below 0.00001.
gnomAD v4.1: 4 of 1,613,500 alleles (0.00025%); highest among the groups gnomAD compares: Non-Finnish European, 0.00025%; no homozygotes.

Submissions (2):

Labcorp Genetics (formerly Invitae), Labcorp
Classification: Likely benign. Last evaluated: 2024-10-23. Review status: criteria provided, single submitter. Criteria: Invitae Variant Classification Sherloc (09022015). Collection method: clinical testing. Allele origin: germline.

PreventionGenetics, part of Exact Sciences
Classification: Likely benign for TSPAN12-related condition. Last evaluated: 2022-02-21. Review status: no assertion criteria provided. Collection method: clinical testing. Allele origin: germline. Not counted in ClinVar's aggregate classification.
Comment: This variant is classified as likely benign based on ACMG/AMP sequence variant interpretation guidelines (Richards et al. 2015 PMID: 25741868, with internal and published modifications).

NM_012338.4(TSPAN12):c.510A>G (p.Glu170=)

Gene: TSPAN12 (tetraspanin 12; minus strand). Cytogenetic location: 7q31.31.
Variant type: single nucleotide variant.
Coding change: c.510A>G on transcript NM_012338.4 (MANE Select); coding-DNA position 510, A replaced by G.
Protein change: p.Glu170=; no amino-acid change (glutamic acid 170 retained).
Molecular consequence: synonymous variant.
Genome position (GRCh38, 1-based): chr7:120,806,651, T>C on the plus strand (A>G on the coding strand, the complement: TSPAN12 is on the minus strand). VCF-style: chr7-120806651-T-C. GRCh37 (hg19) VCF-style: chr7-120446705-T-C.
Other names: c.510A>G (NM_012338.3).
Identifiers: ClinVar variation 1099474 (VCV001099474.11), dbSNP rs1793880586, ClinGen allele CA457394920.